The following is an entry in ClinVar:

NM_001385079.1(PDE10A):c.812C>T (p.Pro271Leu)

Gene: PDE10A (phosphodiesterase 10A; minus strand). Cytogenetic location: 6q27.
Variant type: single nucleotide variant.
Coding change: c.812C>T on transcript NM_001385079.1 (MANE Select); coding-DNA position 812, C replaced by T.
Protein change: p.Pro271Leu; replaces proline 271 with leucine.
Molecular consequence: missense variant. On other transcripts: 5 prime UTR variant (1).
Genome position (GRCh38, 1-based): chr6:165,662,000, G>A on the plus strand (C>T on the coding strand, the complement: PDE10A is on the minus strand). VCF-style: chr6-165662000-G-A. GRCh37 (hg19) VCF-style: chr6-166075488-G-A.
Other names: c.-145C>T (NM_006661.4); c.14C>T, p.Pro5Leu (NM_001130690.3); short protein forms P271L, P5L.
Identifiers: ClinVar variation 2957369 (VCV002957369.3), dbSNP rs1273384248, ClinGen allele CA366486432.

ClinVar aggregate classification (germline): Uncertain significance (1 of 4 stars; one submission).

Allele frequency attached by ClinVar (database versions not stated): TOPMed below 0.00001; gnomAD 0.00001.

Submission:

Labcorp Genetics (formerly Invitae), Labcorp
Classification: Uncertain significance. Last evaluated: 2024-03-11. Review status: criteria provided, single submitter. Criteria: Invitae Variant Classification Sherloc (09022015). Collection method: clinical testing. Allele origin: germline.
Comment: This sequence change replaces proline, which is neutral and non-polar, with leucine, which is neutral and non-polar, at codon 5 of the PDE10A protein (p.Pro5Leu). This variant is present in population databases (no rsID available, gnomAD 0.005%). This variant has not been reported in the literature in individuals affected with PDE10A-related conditions. An algorithm developed to predict the effect of missense changes on protein structure and function (PolyPhen-2) suggests that this variant is likely to be tolerated. In summary, the available evidence is currently insufficient to determine the role of this variant in disease. Therefore, it has been classified as a Variant of Uncertain Significance.